The following is an entry in ClinVar:

ClinVar aggregate classification (germline): Likely benign (1 of 4 stars; one submission).

gnomAD v4.1: 8 of 1,613,294 alleles (0.0005%); highest among the groups gnomAD compares: South Asian, 0.0011%; no homozygotes.

Submission:

CeGaT Center for Human Genetics Tuebingen
Classification: Likely benign. Last evaluated: 2025-02-01. Review status: criteria provided, single submitter. Criteria: CeGaT Center For Human Genetics Tuebingen Variant Classification Criteria Version 2. Collection method: clinical testing. Allele origin: germline. Affected: yes. Observed: 2 variant alleles.
Comment: CLIP2: BP4

NM_003388.5(CLIP2):c.2248G>A (p.Glu750Lys)

Gene: CLIP2 (CAP-Gly domain containing linker protein 2; plus strand). Cytogenetic location: 7q11.23.
Variant type: single nucleotide variant.
Coding change: c.2248G>A on transcript NM_003388.5 (MANE Select); coding-DNA position 2248, G replaced by A.
Protein change: p.Glu750Lys; replaces glutamic acid 750 with lysine.
Molecular consequence: missense variant.
Genome position (GRCh38, 1-based): chr7:74,376,649, G>A. VCF-style: chr7-74376649-G-A. GRCh37 (hg19) VCF-style: chr7-73790979-G-A.
Other names: c.2143G>A, p.Glu715Lys (NM_032421.3); short protein forms E715K, E750K.
Identifiers: ClinVar variation 3771282 (VCV003771282.13).
Genomic context (GRCh38, chr7:74,376,649, plus strand): 5'-CTGCGTGTGCACGAGCTGGAAAAACTGGACGTGGAGTACCGGGGCCAGGCGCAGGCTATC[G>A]AGTTCCTCAAGGAGCAGATCTCGCTGGCCGAGAAGAAGATGTTGGACTACGAGCGGCTGC-3'
Protein context (NP_003379.4, residues 740-760): VEYRGQAQAI[Glu750Lys]FLKEQISLAE